The following is an entry in ClinVar:

NM_015425.6(POLR1A):c.1198A>G (p.Ile400Val)

Gene: POLR1A (RNA polymerase I subunit A; minus strand). Cytogenetic location: 2p11.2.
Variant type: single nucleotide variant.
Coding change: c.1198A>G on transcript NM_015425.6 (MANE Select); coding-DNA position 1198, A replaced by G.
Protein change: p.Ile400Val; replaces isoleucine 400 with valine.
Molecular consequence: missense variant.
Genome position (GRCh38, 1-based): chr2:86,078,173, T>C on the plus strand (A>G on the coding strand, the complement: POLR1A is on the minus strand). VCF-style: chr2-86078173-T-C. GRCh37 (hg19) VCF-style: chr2-86305296-T-C.
Other names: short protein forms I400V.
Identifiers: ClinVar variation 3709739 (VCV003709739.2).

ClinVar aggregate classification (germline): Uncertain significance (1 of 4 stars; one submission).

gnomAD v4.1: 4 of 1,613,408 alleles (0.00025%); highest among the groups gnomAD compares: East Asian, 0.0089%; 1 homozygote.

Submission:

Labcorp Genetics (formerly Invitae), Labcorp
Classification: Uncertain significance. Last evaluated: 2024-02-23. Review status: criteria provided, single submitter. Criteria: Invitae Variant Classification Sherloc (09022015). Collection method: clinical testing. Allele origin: germline.
Comment: This sequence change replaces isoleucine, which is neutral and non-polar, with valine, which is neutral and non-polar, at codon 400 of the POLR1A protein (p.Ile400Val). This variant is present in population databases (rs755537124, gnomAD 0.02%). This variant has not been reported in the literature in individuals affected with POLR1A-related conditions. Advanced modeling of protein sequence and biophysical properties (such as structural, functional, and spatial information, amino acid conservation, physicochemical variation, residue mobility, and thermodynamic stability) performed at Invitae indicates that this missense variant is not expected to disrupt POLR1A protein function with a negative predictive value of 80%. In summary, the available evidence is currently insufficient to determine the role of this variant in disease. Therefore, it has been classified as a Variant of Uncertain Significance.